The following is an entry in ClinVar:

ClinVar aggregate classification (germline): Uncertain significance. Review status: criteria provided, multiple submitters, no conflicts (2 of 4 stars). 2 submissions from 2 submitters: Uncertain significance (2). Last evaluated 2026-08-24.

Conditions:
SLC20A2-related disorder. Also called: SLC20A2-related condition.

Submissions (2):

PreventionGenetics, part of Exact Sciences
Classification: Uncertain significance for SLC20A2-related condition. Last evaluated: 2026-08-24. Review status: criteria provided, single submitter. Criteria: ACMG Guidelines, 2015. Collection method: clinical testing. Allele origin: germline.
Comment: The SLC20A2 c.47T>G variant is predicted to result in the amino acid substitution p.Ile16Arg. To our knowledge, this variant has not been reported in the literature or in a large population database (gnomAD), indicating this variant is rare. At this time, the clinical significance of this variant is uncertain due to the absence of conclusive functional and genetic evidence.

GeneDx
Classification: Uncertain significance. Last evaluated: 2026-03-03. Review status: criteria provided, single submitter. Criteria: GeneDx Variant Classification Process June 2021. Collection method: clinical testing. Allele origin: germline.
Comment: Not observed at significant frequency in large population cohorts (gnomAD); In silico analysis supports that this missense variant has a deleterious effect on protein structure/function; Has not been previously published as pathogenic or benign to our knowledge

NM_001257180.2(SLC20A2):c.47T>G (p.Ile16Arg)

Gene: SLC20A2 (solute carrier family 20 member 2; minus strand). Cytogenetic location: 8p11.21.
Variant type: single nucleotide variant.
Coding change: c.47T>G on transcript NM_001257180.2 (MANE Select); coding-DNA position 47, T replaced by G.
Protein change: p.Ile16Arg; replaces isoleucine 16 with arginine.
Molecular consequence: missense variant.
Genome position (GRCh38, 1-based): chr8:42,472,344, A>C on the plus strand (T>G on the coding strand, the complement: SLC20A2 is on the minus strand). VCF-style: chr8-42472344-A-C. GRCh37 (hg19) VCF-style: chr8-42329862-A-C.
Other names: c.47T>G (NM_006749.4); c.47T>G, p.Ile16Arg (NM_001257181.2, NM_006749.5); short protein forms I16R.
Identifiers: ClinVar variation 4992000 (VCV004992000.1).
Genomic context (GRCh38, chr8:42,472,344, plus strand): 5'-GCTGTACCAAAGGAGTTGGCAACATCGTTTGCACCAACAGAAAAGGCCAAGATGAAAGCT[A>C]TGATGAAACCCAAAATGACCATCCACAAATACTCATCCATGGCCATTTTGGAAAGTGGGT-3'
Protein context (NP_001244109.1, residues 6-26): YLWMVILGFI[Ile16Arg]AFILAFSVGA